The following is an entry in ClinVar:

NM_002067.5(GNA11):c.885C>G (p.Phe295Leu)

Gene: GNA11 (G protein subunit alpha 11; plus strand). Cytogenetic location: 19p13.3.
Variant type: single nucleotide variant.
Coding change: c.885C>G on transcript NM_002067.5 (MANE Select); coding-DNA position 885, C replaced by G.
Protein change: p.Phe295Leu; replaces phenylalanine 295 with leucine.
Molecular consequence: missense variant.
Genome position (GRCh38, 1-based): chr19:3,119,355, C>G. VCF-style: chr19-3119355-C-G. GRCh37 (hg19) VCF-style: chr19-3119353-C-G.
Other names: short protein forms F295L.
Identifiers: ClinVar variation 2131872 (VCV002131872.4), dbSNP rs147368872, ClinGen allele CA403311326.
Genomic context (GRCh38, chr19:3,119,355, plus strand): 5'-GAAGGACCTGCTGGAGGACAAGATCCTGTACTCGCACCTGGTGGACTACTTCCCCGAGTT[C>G]GATGGTGCGCCGGGCTGCGGCATGGGGAGGGGCTCGCGGGCAGGGCCTTACTGGGGGGAG-3'
Protein context (NP_002058.2, residues 285-305): YSHLVDYFPE[Phe295Leu]DGPQRDAQAA

ClinVar aggregate classification (germline): Uncertain significance (1 of 4 stars; one submission).

Submission:

Labcorp Genetics (formerly Invitae), Labcorp
Classification: Uncertain significance. Last evaluated: 2022-04-29. Review status: criteria provided, single submitter. Criteria: Invitae Variant Classification Sherloc (09022015). Collection method: clinical testing. Allele origin: germline.
Comment: In summary, the available evidence is currently insufficient to determine the role of this variant in disease. Therefore, it has been classified as a Variant of Uncertain Significance. Algorithms developed to predict the effect of missense changes on protein structure and function are either unavailable or do not agree on the potential impact of this missense change (SIFT: "Deleterious"; PolyPhen-2: "Benign"; Align-GVGD: "Class C0"). This variant has not been reported in the literature in individuals affected with GNA11-related conditions. This variant is not present in population databases (gnomAD no frequency). This sequence change replaces phenylalanine, which is neutral and non-polar, with leucine, which is neutral and non-polar, at codon 295 of the GNA11 protein (p.Phe295Leu).